The following is an entry in ClinVar:

ClinVar aggregate classification (germline): Uncertain significance (1 of 4 stars; one submission).

Submission:

Labcorp Genetics (formerly Invitae), Labcorp
Classification: Uncertain significance. Last evaluated: 2024-03-17. Review status: criteria provided, single submitter. Criteria: Invitae Variant Classification Sherloc (09022015). Collection method: clinical testing. Allele origin: germline.
Comment: This sequence change replaces aspartic acid, which is acidic and polar, with asparagine, which is neutral and polar, at codon 1058 of the DUOX2 protein (p.Asp1058Asn). This variant is not present in population databases (gnomAD no frequency). This variant has not been reported in the literature in individuals affected with DUOX2-related conditions. Advanced modeling of protein sequence and biophysical properties (such as structural, functional, and spatial information, amino acid conservation, physicochemical variation, residue mobility, and thermodynamic stability) performed at Invitae indicates that this missense variant is not expected to disrupt DUOX2 protein function with a negative predictive value of 80%. In summary, the available evidence is currently insufficient to determine the role of this variant in disease. Therefore, it has been classified as a Variant of Uncertain Significance.

NM_001363711.2(DUOX2):c.3172G>A (p.Asp1058Asn)

Gene: DUOX2 (dual oxidase 2; minus strand). Cytogenetic location: 15q21.1.
Variant type: single nucleotide variant.
Coding change: c.3172G>A on transcript NM_001363711.2 (MANE Select); coding-DNA position 3172, G replaced by A.
Protein change: p.Asp1058Asn; replaces aspartic acid 1058 with asparagine.
Molecular consequence: missense variant.
Genome position (GRCh38, 1-based): chr15:45,100,062, C>T on the plus strand (G>A on the coding strand, the complement: DUOX2 is on the minus strand). VCF-style: chr15-45100062-C-T. GRCh37 (hg19) VCF-style: chr15-45392260-C-T.
Other names: c.3172G>A, p.Asp1058Asn (NM_014080.5); short protein forms D1058N.
Identifiers: ClinVar variation 3670799 (VCV003670799.2).